The following is an entry in ClinVar:

NM_003743.5(NCOA1):c.4155+7A>G

Gene: NCOA1 (nuclear receptor coactivator 1; plus strand). Cytogenetic location: 2p23.3.
Variant type: single nucleotide variant.
Coding change: c.4155+7A>G on transcript NM_003743.5 (MANE Select); 7 bases into the intron after coding-DNA position 4155, A replaced by G.
Molecular consequence: intron variant.
Genome position (GRCh38, 1-based): chr2:24,762,783, A>G. VCF-style: chr2-24762783-A-G. GRCh37 (hg19) VCF-style: chr2-24985652-A-G.
Other names: c.4155+7A>G (NM_001362950.1, NM_147223.3, NM_001362955.1 and 3 more transcripts).
Identifiers: ClinVar variation 3353730 (VCV003353730.1).

ClinVar aggregate classification (germline): Likely benign (0 of 4 stars; one submission).

Conditions:
NCOA1-related disorder. Also called: NCOA1-related condition.

gnomAD v4.1: 2 of 1,611,036 alleles (0.00012%); highest among the groups gnomAD compares: African/African-American, 0.0013%; no homozygotes.

Submission:

PreventionGenetics, part of Exact Sciences
Classification: Likely benign for NCOA1-related condition. Last evaluated: 2021-10-15. Review status: no assertion criteria provided. Collection method: clinical testing. Allele origin: germline.
Comment: This variant is classified as likely benign based on ACMG/AMP sequence variant interpretation guidelines (Richards et al. 2015 PMID: 25741868, with internal and published modifications).